The following is an entry in ClinVar:

ClinVar aggregate classification (germline): Uncertain significance. Review status: criteria provided, multiple submitters, no conflicts (2 of 4 stars). 3 submissions from 3 submitters: Uncertain significance (3). Last evaluated 2023-11-04.

Conditions:
Dilated cardiomyopathy 1G (CMD1G). Identifiers: Orphanet 154, MedGen C1858763, MONDO:0011400, OMIM 604145.
Autosomal recessive limb-girdle muscular dystrophy type 2J (LGMDR10). Also called: MUSCULAR DYSTROPHY, LIMB-GIRDLE, AUTOSOMAL RECESSIVE 10; Limb-girdle muscular dystrophy, type 2J. Identifiers: Orphanet 140922, MedGen C1837342, MONDO:0012127, OMIM 608807.
Myopathy, myofibrillar, 9, with early respiratory failure (MFM9). Also called: EDSTROM MYOPATHY; MYOPATHY, PROXIMAL, WITH EARLY RESPIRATORY MUSCLE INVOLVEMENT; Myopathy, distal, with early respiratory failure, autosomal dominant; Hereditary myopathy with early respiratory failure. Identifiers: Orphanet 178464, Orphanet 34521, MedGen C1863599, MONDO:0011362, OMIM 603689.
Early-onset myopathy with fatal cardiomyopathy (CMYO5). Also called: CONGENITAL MYOPATHY 5 WITH CARDIOMYOPATHY; Salih Myopathy. Identifiers: Orphanet 289377, MedGen C2673677, MONDO:0012714, OMIM 611705. Disease mechanism: loss of function.
Hypertrophic cardiomyopathy 9. Also called: Familial hypertrophic cardiomyopathy 9. Identifiers: MedGen C1861065, MONDO:0013412, OMIM 613765.
Tibial muscular dystrophy (TMD). Also called: UDD MYOPATHY; Tibial muscular dystrophy, tardive; Udd Distal Myopathy – Tibial Muscular Dystrophy. Identifiers: Orphanet 609, MedGen C1838244, MONDO:0010870, OMIM 600334.

Allele frequency attached by ClinVar (database versions not stated): gnomAD exomes below 0.00001; TOPMed below 0.00001; gnomAD 0.00001.
gnomAD v4.1: 3 of 1,613,864 alleles (0.00019%); highest among the groups gnomAD compares: Non-Finnish European, 0.00025%; no homozygotes.

Submissions (3):

Labcorp Genetics (formerly Invitae), Labcorp
Classification: Uncertain significance for Dilated cardiomyopathy 1G; Autosomal recessive limb-girdle muscular dystrophy type 2J. Last evaluated: 2023-11-04. Review status: criteria provided, single submitter. Criteria: Invitae Variant Classification Sherloc (09022015). Collection method: clinical testing. Allele origin: germline.
Comment: This sequence change replaces leucine, which is neutral and non-polar, with arginine, which is basic and polar, at codon 35953 of the TTN protein (p.Leu35953Arg). This variant is not present in population databases (gnomAD no frequency). This variant has not been reported in the literature in individuals affected with TTN-related conditions. ClinVar contains an entry for this variant (Variation ID: 203119). Experimental studies and prediction algorithms are not available or were not evaluated, and the functional significance of this variant is currently unknown. This variant is located in the M band of TTN (PMID: 25589632). Variants in this region may be relevant for neuromuscular disorders, but have not been definitively shown to cause cardiomyopathy (PMID: 23975875). In summary, the available evidence is currently insufficient to determine the role of this variant in disease. Therefore, it has been classified as a Variant of Uncertain Significance.

Fulgent Genetics
Classification: Uncertain significance for Tibial muscular dystrophy; Myopathy, myofibrillar, 9, with early respiratory failure; Dilated cardiomyopathy 1G; Autosomal recessive limb-girdle muscular dystrophy type 2J; Early-onset myopathy with fatal cardiomyopathy; Hypertrophic cardiomyopathy 9. Last evaluated: 2021-07-06. Review status: criteria provided, single submitter. Criteria: ACMG Guidelines, 2015. Collection method: clinical testing. Allele origin: unknown.

GeneDx
Classification: Uncertain significance. Last evaluated: 2014-11-07. Review status: criteria provided, single submitter. Criteria: GeneDx Variant Classification (06012015). Collection method: clinical testing. Allele origin: germline. Affected: yes.
Comment: Missense variants in the TTN gene are considered 'unclassified' if they are not previously reported in the literature and do not have >1% frequency in the population to be considered a polymorphism. Research indicates that truncating mutations in the TTN gene are expected to account for approximately 25% of familial and 18% of sporadic idiopathic DCM; however, truncating variants in the TTN gene have been reported in approximately 3% of reported control alleles. There has been little investigation into non-truncating variants. (Herman D et al. Truncations of titin causing dilated cardiomyopathy. N Eng J Med 366:619-628, 2012) The variant is found in DCM-CRDM panel(s).

Literature cited by the submitters: PubMed 25589632 (cited by Labcorp Genetics (formerly Invitae), Labcorp); PubMed 23975875 (cited by Labcorp Genetics (formerly Invitae), Labcorp).

NM_001267550.2(TTN):c.107858T>G (p.Leu35953Arg)

Genes: TTN (titin; minus strand), TTN-AS1 (TTN antisense RNA 1; plus strand). Cytogenetic location: 2q31.2.
Variant type: single nucleotide variant.
Coding change: c.107858T>G on transcript NM_001267550.2 (MANE Select); coding-DNA position 107858, T replaced by G.
Protein change: p.Leu35953Arg; replaces leucine 35953 with arginine.
Molecular consequence: missense variant.
Genome position (GRCh38, 1-based): chr2:178,527,130, A>C on the plus strand (T>G on the coding strand, the complement: TTN is on the minus strand). VCF-style: chr2-178527130-A-C. GRCh37 (hg19) VCF-style: chr2-179391857-A-C.
Other names: p.L34312R:CTG>CGG; c.102935T>G, p.Leu34312Arg (NM_001256850.1); c.80663T>G, p.Leu26888Arg (NM_003319.4); c.100154T>G, p.Leu33385Arg (NM_133378.4); c.81038T>G, p.Leu27013Arg (NM_133432.3); c.81239T>G, p.Leu27080Arg (NM_133437.4); short protein forms L34312R, L35953R, L27013R, L33385R, L26888R, L27080R.
Identifiers: ClinVar variation 203119 (VCV000203119.4), dbSNP rs794729572, ClinGen allele CA311301.
Genomic context (GRCh38, chr2:178,527,130, plus strand): 5'-AAACTCAGGGTATAAAGTCCACCATCTTGTTTCTGTACGTCCATGATGATCAGGGTTGTC[A>C]GGTCATCTGTGTTTTCAATGTGGAACCTCCCCTGTTCTTGACTGTGGATTTTTCTTCCAC-3'
Protein context (NP_001254479.2, residues 35943-35963): GRFHIENTDD[Leu35953Arg]TTLIIMDVQK